The following is an entry in ClinVar:

ClinVar aggregate classification (germline): Likely pathogenic. Review status: criteria provided, single submitter (1 of 4 stars). 2 submissions from 2 submitters: Likely pathogenic (1). 1 of the submissions does not count toward it. Last evaluated 2025-08-21.

Conditions:
Familial infantile bilateral striatal necrosis (FBSN). Also called: BILATERAL STRIATAL NECROSIS, INFANTILE. Identifiers: Orphanet 225154, MedGen C4087174, MONDO:0010080, OMIM 271930.
Infantile bilateral striatal necrosis. Identifiers: Orphanet 1576, MedGen C0795996, MONDO:0015518.

Submissions (2):

First Genomix Gene Laboratory, Genetic Diagnostics Department
Classification: Likely pathogenic for Familial infantile bilateral striatal necrosis. Last evaluated: 2025-08-21. Review status: criteria provided, single submitter. Criteria: ACMG Guidelines, 2015. Collection method: clinical testing. Allele origin: germline. Inheritance: Autosomal recessive inheritance. Affected: no. Observed: 1 variant allele.

OMIM
Classification: Pathogenic for STRIATONIGRAL DEGENERATION, INFANTILE. Last evaluated: 2006-08-01. Review status: no assertion criteria provided. Collection method: literature only. Allele origin: germline. Not counted in ClinVar's aggregate classification.

Literature cited by the submitters: PubMed 16786527 (cited by OMIM).

NM_016553.5(NUP62):c.1172A>C (p.Gln391Pro)

Genes: IL4I1 (interleukin 4 induced 1; minus strand), NUP62 (nucleoporin 62; minus strand). Cytogenetic location: 19q13.33.
Variant type: single nucleotide variant.
Coding change: c.1172A>C on transcript NM_016553.5 (MANE Select); coding-DNA position 1172, A replaced by C.
Protein change: p.Gln391Pro; replaces glutamine 391 with proline.
Molecular consequence: missense variant. On other transcripts: intron variant (3).
Genome position (GRCh38, 1-based): chr19:49,908,636, T>G on the plus strand (A>C on the coding strand, the complement: NUP62 is on the minus strand). VCF-style: chr19-49908636-T-G. GRCh37 (hg19) VCF-style: chr19-50411893-T-G.
Other names: c.1172A>C, p.Gln391Pro (NM_001193357.2, NM_012346.5, NM_153718.4 and 1 more transcripts); c.-227-4315A>C (NM_001258017.2, NM_172374.3); c.-285-4315A>C (NM_001258018.2); short protein forms Q391P.
Identifiers: ClinVar variation 4752 (VCV000004752.4), dbSNP rs121917865, ClinGen allele CA117059.